The following is an entry in ClinVar:

NM_001256071.3(RNF213):c.3685G>C (p.Asp1229His)

Gene: RNF213 (ring finger protein 213; plus strand). Cytogenetic location: 17q25.3.
Variant type: single nucleotide variant.
Coding change: c.3685G>C on transcript NM_001256071.3 (MANE Select); coding-DNA position 3685, G replaced by C.
Protein change: p.Asp1229His; replaces aspartic acid 1229 with histidine.
Molecular consequence: missense variant.
Genome position (GRCh38, 1-based): chr17:80,332,173, G>C. VCF-style: chr17-80332173-G-C. GRCh37 (hg19) VCF-style: chr17-78305973-G-C.
Other names: short protein forms D1229H.
Identifiers: ClinVar variation 1468511 (VCV001468511.8), dbSNP rs1180598847, ClinGen allele CA401381142.

ClinVar aggregate classification (germline): Uncertain significance (1 of 4 stars; one submission).

Allele frequency attached by ClinVar (database versions not stated): gnomAD exomes below 0.00001; TOPMed 0.00002.
gnomAD v4.1: 3 of 1,537,202 alleles (0.0002%); highest among the groups gnomAD compares: Non-Finnish European, 0.00017%; no homozygotes.

Submission:

Labcorp Genetics (formerly Invitae), Labcorp
Classification: Uncertain significance. Last evaluated: 2021-07-07. Review status: criteria provided, single submitter. Criteria: Invitae Variant Classification Sherloc (09022015). Collection method: clinical testing. Allele origin: germline.
Comment: This sequence change replaces aspartic acid with histidine at codon 1229 of the RNF213 protein (p.Asp1229His). The aspartic acid residue is moderately conserved and there is a moderate physicochemical difference between aspartic acid and histidine. This variant is not present in population databases (ExAC no frequency). In summary, the available evidence is currently insufficient to determine the role of this variant in disease. Therefore, it has been classified as a Variant of Uncertain Significance. Algorithms developed to predict the effect of missense changes on protein structure and function are either unavailable or do not agree on the potential impact of this missense change (SIFT: "Deleterious"; PolyPhen-2: "Possibly Damaging"; Align-GVGD: "Class C0"). This variant has not been reported in the literature in individuals affected with RNF213-related conditions.